The following is an entry in ClinVar:

ClinVar aggregate classification (germline): Uncertain significance. Review status: criteria provided, multiple submitters, no conflicts (2 of 4 stars). 3 submissions from 3 submitters: Uncertain significance (3). Last evaluated 2025-08-20.

Conditions:
Hereditary cancer-predisposing syndrome. Also called: Neoplastic Syndromes, Hereditary; Hereditary Cancer Syndrome; Hereditary neoplastic syndrome; Tumor predisposition. Identifiers: Orphanet 140162, MedGen C0027672, MeSH D009386, MONDO:0015356.
Familial adenomatous polyposis 2. Also called: COLORECTAL ADENOMATOUS POLYPOSIS, AUTOSOMAL RECESSIVE; ADENOMAS, MULTIPLE COLORECTAL, AUTOSOMAL RECESSIVE; Adenomas, multiple colorectal; FAP type 2; MUTYH Polyposis; MUTYH-associated polyposis. Identifiers: Orphanet 220460, Orphanet 247798, MedGen C3272841, MONDO:0012041, OMIM 608456.

Allele frequency attached by ClinVar (database versions not stated): gnomAD exomes 0.00001.

Submissions (3):

Labcorp Genetics (formerly Invitae), Labcorp
Classification: Uncertain significance for Familial adenomatous polyposis 2. Last evaluated: 2025-08-20. Review status: criteria provided, single submitter. Criteria: Invitae Variant Classification Sherloc (09022015). Collection method: clinical testing. Allele origin: germline.
Comment: This sequence change replaces proline, which is neutral and non-polar, with threonine, which is neutral and polar, at codon 430 of the MUTYH protein (p.Pro430Thr). This variant is not present in population databases (gnomAD no frequency). This variant has not been reported in the literature in individuals affected with MUTYH-related conditions. ClinVar contains an entry for this variant (Variation ID: 998726). An algorithm developed to predict the effect of missense changes on protein structure and function (PolyPhen-2) suggests that this variant is likely to be tolerated. In summary, the available evidence is currently insufficient to determine the role of this variant in disease. Therefore, it has been classified as a Variant of Uncertain Significance.

All of Us Research Program, National Institutes of Health
Classification: Uncertain significance for Familial adenomatous polyposis 2. Last evaluated: 2024-01-11. Review status: criteria provided, single submitter. Criteria: ACMG Guidelines, 2015. Collection method: clinical testing. Allele origin: germline. Inheritance: Autosomal recessive inheritance. Observed: 1 variant allele, 1 heterozygote.
Comment: This missense variant replaces proline with threonine at codon 430 of the MUTYH protein. Computational prediction suggests that this variant may not impact protein structure and function (internally defined REVEL score threshold <= 0.5, PMID: 27666373). To our knowledge, functional studies have not been reported for this variant. This variant has not been reported in individuals affected with hereditary cancer in the literature. This variant has not been identified in the general population by the Genome Aggregation Database (gnomAD). The available evidence is insufficient to determine the role of this variant in disease conclusively. Therefore, this variant is classified as a Variant of Uncertain Significance.

This study involves interpretation of variants in research participants for the purpose of population health screening. Participant phenotype was not available at the time of variant classification. Additional details can be found in publication PMID: 35346344, PMCID: PMC8962531

Ambry Genetics
Classification: Uncertain significance for Hereditary cancer-predisposing syndrome. Last evaluated: 2023-08-09. Review status: criteria provided, single submitter. Criteria: Ambry Variant Classification Scheme 2023. Collection method: clinical testing. Allele origin: germline.
Comment: The p.P430T variant (also known as c.1288C>A), located in coding exon 13 of the MUTYH gene, results from a C to A substitution at nucleotide position 1288. The proline at codon 430 is replaced by threonine, an amino acid with highly similar properties. This amino acid position is well conserved in available vertebrate species. In addition, the in silico prediction for this alteration is inconclusive. Since supporting evidence is limited at this time, the clinical significance of this alteration remains unclear.

NM_001048174.2(MUTYH):c.1204C>A (p.Pro402Thr)

Gene: MUTYH (mutY DNA glycosylase; minus strand). Cytogenetic location: 1p34.1.
Variant type: single nucleotide variant.
Coding change: c.1204C>A on transcript NM_001048174.2 (MANE Select); coding-DNA position 1204, C replaced by A.
Protein change: p.Pro402Thr; replaces proline 402 with threonine.
Molecular consequence: missense variant. On other transcripts: non-coding transcript variant (2).
Genome position (GRCh38, 1-based): chr1:45,331,455, G>T on the plus strand (C>A on the coding strand, the complement: MUTYH is on the minus strand). VCF-style: chr1-45331455-G-T. GRCh37 (hg19) VCF-style: chr1-45797127-G-T.
Other names: c.1204C>A, p.Pro402Thr (NM_001048171.2, NM_001048173.2, NM_001293195.2); c.1207C>A, p.Pro403Thr (NM_001048172.2); c.1288C>A, p.Pro430Thr (NM_001128425.2); c.1249C>A, p.Pro417Thr (NM_001293190.2); c.1237C>A, p.Pro413Thr (NM_001293191.2); c.928C>A, p.Pro310Thr (NM_001293192.2, NM_001293196.2); c.859C>A, p.Pro287Thr (NM_001350650.2, NM_001350651.2); c.1279C>A, p.Pro427Thr (NM_012222.3); short protein forms P287T, P310T, P402T, P403T, P413T, P417T, P427T, P430T.
Identifiers: ClinVar variation 998726 (VCV000998726.10), dbSNP rs1553125687, ClinGen allele CA340132889.